The following is an entry in ClinVar:

ClinVar aggregate classification (germline): Pathogenic. Review status: criteria provided, multiple submitters, no conflicts (2 of 4 stars). 8 submissions from 8 submitters: Pathogenic (7). 1 of the submissions does not count toward it. Last evaluated 2026-03-05.

Conditions:
Charcot-Marie-Tooth disease type 4J (CMT4J). Also called: CHARCOT-MARIE-TOOTH DISEASE, DEMYELINATING, TYPE 4J; CHARCOT-MARIE-TOOTH DISEASE, AUTOSOMAL RECESSIVE, TYPE 4J; Charcot-Marie-Tooth Neuropathy Type 4J. Identifiers: Orphanet 139515, MedGen C1970011, MONDO:0012640, OMIM 611228.
Yunis-Varon syndrome (YVS). Also called: Cleidocranial dysplasia, micrognathia, absent thumbs, & distal aphalangia. Identifiers: Orphanet 3472, MedGen C1857663, MONDO:0008995, OMIM 216340.
Bilateral parasagittal parieto-occipital polymicrogyria. Also called: Polymicrogyria, bilateral temporooccipital. Identifiers: Orphanet 208441, MedGen C4013648, MONDO:0012986, OMIM 612691.
Amyotrophic lateral sclerosis type 11 (ALS11). Identifiers: Orphanet 803, MedGen C2675491, MONDO:0012945, OMIM 612577.
FIG4-related disorder. Also called: FIG4-related disorders; FIG4-related condition.
Inborn genetic diseases. Identifiers: MedGen C0950123, MeSH D030342.
Charcot-Marie-Tooth disease type 4. Also called: Charcot-Marie-Tooth disease, type IV; Charcot-Marie-Tooth, Type 4. Identifiers: Orphanet 64749, MedGen C4082197, MONDO:0018995.

Allele frequency attached by ClinVar (database versions not stated): gnomAD exomes 0.00003 and 0.00008; TOPMed 0.00009; gnomAD 0.00022.

Submissions (8):

PreventionGenetics, part of Exact Sciences
Classification: Pathogenic for FIG4-related condition. Last evaluated: 2026-03-05. Review status: criteria provided, single submitter. Criteria: ACMG Guidelines, 2015. Collection method: clinical testing. Allele origin: germline.
Comment: The FIG4 c.737G>A variant is predicted to result in premature protein termination (p.Trp246*). This variant was reported in a large cohort of individuals with suspected Charcot-Marie-Tooth disease (DiVincenzo et al. 2014. PubMed ID: 25614874, Supplementary Table 5) and was identified in the compound heterozygous state in an individual with cerebral hypomyelination (Lenk et al. 2019. PubMed ID: 30740813). This variant was also reported with a second FIG4 variant in two additional individuals with features of a FIG4-related disorder (Hu et al. 2018. PubMed ID: 29518270). This variant is reported in 0.020% of alleles in individuals of Latino descent in gnomAD. Nonsense variants in FIG4 are expected to be pathogenic for autosomal recessive FIG4-related disease. This variant is interpreted as pathogenic.

Labcorp Genetics (formerly Invitae), Labcorp
Classification: Pathogenic for Charcot-Marie-Tooth disease type 4. Last evaluated: 2025-07-22. Review status: criteria provided, single submitter. Criteria: Invitae Variant Classification Sherloc (09022015). Collection method: clinical testing. Allele origin: germline.
Comment: This sequence change creates a premature translational stop signal (p.Trp246*) in the FIG4 gene. It is expected to result in an absent or disrupted protein product. Loss-of-function variants in FIG4 are known to be pathogenic (PMID: 23623387, 30740813). This variant is present in population databases (rs776005417, gnomAD 0.02%). This premature translational stop signal has been observed in individual(s) with Charcot-Marie-Tooth disease (PMID: 25614874). ClinVar contains an entry for this variant (Variation ID: 420149). Algorithms developed to predict the effect of sequence changes on RNA splicing suggest that this variant may disrupt the consensus splice site. For these reasons, this variant has been classified as Pathogenic.

GeneDx
Classification: Pathogenic. Last evaluated: 2024-06-02. Review status: criteria provided, single submitter. Criteria: GeneDx Variant Classification Process June 2021. Collection method: clinical testing. Allele origin: germline. Affected: yes.
Comment: Nonsense variant predicted to result in protein truncation or nonsense mediated decay in a gene for which loss of function is a known mechanism of disease; This variant is associated with the following publications: (PMID: 29518270, 25614874, 30740813, 31589614, 23623387)

Mayo Clinic Laboratories, Mayo Clinic
Classification: Pathogenic. Last evaluated: 2024-04-24. Review status: criteria provided, single submitter. Criteria: ACMG Guidelines, 2015. Collection method: clinical testing. Allele origin: germline. Observed: 2 variant alleles.
Comment: PP4, PM3, PVS1

Revvity Omics, Revvity
Classification: Pathogenic. Last evaluated: 2023-06-01. Review status: criteria provided, single submitter. Criteria: ACMG Guidelines, 2015. Collection method: clinical testing. Allele origin: germline.

Ambry Genetics
Classification: Pathogenic for Inborn genetic diseases. Last evaluated: 2022-01-05. Review status: criteria provided, single submitter. Criteria: Ambry Variant Classification Scheme 2023. Collection method: clinical testing. Allele origin: germline.
Comment: The c.737G>A (p.W246*) alteration, located in exon 7 (coding exon 7) of the FIG4 gene, consists of a G to A substitution at nucleotide position 737. This changes the amino acid from a tryptophan (W) to a stop codon at amino acid position 246. This alteration is expected to result in loss of function by premature protein truncation or nonsense-mediated mRNA decay. Based on data from gnomAD, the A allele has an overall frequency of <0.01% (10/282520) total alleles studied. The highest observed frequency was 0.02% (7/35358) of Latino alleles. This mutation was confirmed in trans with a FIG4 canonical splice variant in a child with developmental delay, hypotonia, progressive peripheral neuropathy, and lack of cerebral myelination and ventriculomegaly on brain MRI (Lenk, 2019). It was also identified in two additional individuals with sensory motor demyelinating polyneuropathy in conjunction with a FIG4 missense variant; however, phase information was not provided (Hu, 2018). Based on the available evidence, this alteration is classified as pathogenic.

Fulgent Genetics
Classification: Pathogenic for Yunis-Varon syndrome; Charcot-Marie-Tooth disease type 4J; Amyotrophic lateral sclerosis type 11; Bilateral parasagittal parieto-occipital polymicrogyria. Last evaluated: 2018-10-31. Review status: criteria provided, single submitter. Criteria: ACMG Guidelines, 2015. Collection method: clinical testing. Allele origin: unknown.

Inherited Neuropathy Consortium Ii, University Of Miami
Classification: Uncertain significance for Charcot-Marie-Tooth disease type 4J. Last evaluated: 2016-01-06. Review status: no assertion criteria provided. Collection method: literature only. Allele origin: germline. Affected: yes. Not counted in ClinVar's aggregate classification.

Literature cited by the submitters: PubMed 23623387 (cited by Labcorp Genetics (formerly Invitae), Labcorp); PubMed 30740813 (cited by 3 submitters); PubMed 25614874 (cited by 3 submitters); PubMed 29518270 (cited by Mayo Clinic Laboratories, Mayo Clinic and Ambry Genetics); PubMed 34899148 (cited by Mayo Clinic Laboratories, Mayo Clinic); PubMed 36529678 (cited by Mayo Clinic Laboratories, Mayo Clinic).

NM_014845.6(FIG4):c.737G>A (p.Trp246Ter)

Gene: FIG4 (FIG4 phosphoinositide 5-phosphatase; plus strand). Cytogenetic location: 6q21.
Variant type: single nucleotide variant.
Coding change: c.737G>A on transcript NM_014845.6 (MANE Select); coding-DNA position 737, G replaced by A.
Protein change: p.Trp246Ter; replaces tryptophan 246 with a stop codon.
Molecular consequence: nonsense.
Genome position (GRCh38, 1-based): chr6:109,738,415, G>A. VCF-style: chr6-109738415-G-A. GRCh37 (hg19) VCF-style: chr6-110059618-G-A.
Other names: p.Trp246*; short protein forms W246*.
Identifiers: ClinVar variation 420149 (VCV000420149.23), dbSNP rs776005417, ClinGen allele CA16618230.
Genomic context (GRCh38, chr6:109,738,415, plus strand): 5'-TGAAATATGTATGGAATGGTGAACTTCTGGATATAATTAAAAGTACTGTGCATCGTGACT[G>A]GCTTTTGTATATTATTCATGGGTTCTGTGGGCAGTCAAGTATCCTTTCTGAAGAAAAAGT-3'